The following is an entry in ClinVar:

ClinVar aggregate classification (germline): Uncertain significance (1 of 4 stars; one submission).

Submission:

Labcorp Genetics (formerly Invitae), Labcorp
Classification: Uncertain significance. Last evaluated: 2021-05-08. Review status: criteria provided, single submitter. Criteria: Invitae Variant Classification Sherloc (09022015). Collection method: clinical testing. Allele origin: germline.
Comment: This sequence change replaces aspartic acid with valine at codon 618 of the PCARE protein (p.Asp618Val). The aspartic acid residue is highly conserved and there is a large physicochemical difference between aspartic acid and valine. This variant is not present in population databases (ExAC no frequency). This variant has not been reported in the literature in individuals with PCARE-related conditions. Algorithms developed to predict the effect of missense changes on protein structure and function (SIFT, PolyPhen-2, Align-GVGD) all suggest that this variant is likely to be disruptive, but these predictions have not been confirmed by published functional studies and their clinical significance is uncertain. In summary, the available evidence is currently insufficient to determine the role of this variant in disease. Therefore, it has been classified as a Variant of Uncertain Significance.

NM_001029883.3(PCARE):c.1853A>T (p.Asp618Val)

Gene: PCARE (photoreceptor cilium actin regulator; minus strand). Cytogenetic location: 2p23.2.
Variant type: single nucleotide variant.
Coding change: c.1853A>T on transcript NM_001029883.3 (MANE Select); coding-DNA position 1853, A replaced by T.
Protein change: p.Asp618Val; replaces aspartic acid 618 with valine.
Molecular consequence: missense variant.
Genome position (GRCh38, 1-based): chr2:29,072,409, T>A on the plus strand (A>T on the coding strand, the complement: PCARE is on the minus strand). VCF-style: chr2-29072409-T-A. GRCh37 (hg19) VCF-style: chr2-29295275-T-A.
Other names: short protein forms D618V.
Identifiers: ClinVar variation 1472565 (VCV001472565.8), dbSNP rs1667507222, ClinGen allele CA346478772.